The following is an entry in ClinVar:

NM_000400.4(ERCC2):c.720C>G (p.Asp240Glu)

Gene: ERCC2 (ERCC excision repair 2, TFIIH core complex helicase subunit; minus strand). Cytogenetic location: 19q13.32.
Variant type: single nucleotide variant.
Coding change: c.720C>G on transcript NM_000400.4 (MANE Select); coding-DNA position 720, C replaced by G.
Protein change: p.Asp240Glu; replaces aspartic acid 240 with glutamic acid.
Molecular consequence: missense variant.
Genome position (GRCh38, 1-based): chr19:45,364,330, G>C on the plus strand (C>G on the coding strand, the complement: ERCC2 is on the minus strand). VCF-style: chr19-45364330-G-C. GRCh37 (hg19) VCF-style: chr19-45867588-G-C.
Other names: c.720C>G (NM_000400.3); c.648C>G, p.Asp216Glu (NM_001130867.2); short protein forms D216E, D240E.
Identifiers: ClinVar variation 1175040 (VCV001175040.10), dbSNP rs1213865808, ClinGen allele CA406374245.

ClinVar aggregate classification (germline): Uncertain significance. Review status: criteria provided, multiple submitters, no conflicts (2 of 4 stars). 5 submissions from 5 submitters: Uncertain significance (3). 2 of the submissions do not count toward it. Last evaluated 2024-11-08.

Conditions:
Inborn genetic diseases. Identifiers: MedGen C0950123, MeSH D030342.
Xeroderma pigmentosum, group D (XPD). Also called: XERODERMA PIGMENTOSUM, COMPLEMENTATION GROUP D; ERCC2-Related Xeroderma Pigmentosum; XERODERMA PIGMENTOSUM IV; XP, GROUP D; XP, GROUP H. Identifiers: MedGen C0268138, MONDO:0010212, OMIM 278730.
Trichothiodystrophy 1, photosensitive (TTD1). Also called: TAY SYNDROME; TRICHOTHIODYSTROPHY WITH CONGENITAL ICHTHYOSIS; PIBIDS SYNDROME. Identifiers: Orphanet 33364, MedGen C1866504, MONDO:0011125, OMIM 601675.
Cerebrooculofacioskeletal syndrome 2 (COFS2). Identifiers: MedGen C1853102, MONDO:0012553, OMIM 610756.

Allele frequency attached by ClinVar (database versions not stated): TOPMed 0.00001; gnomAD 0.00002; gnomAD exomes 0.00002.
gnomAD v4.1: 27 of 1,613,894 alleles (0.0017%); highest among the groups gnomAD compares: Non-Finnish European, 0.0021%; no homozygotes.

Submissions (5):

Ambry Genetics
Classification: Uncertain significance for Inborn genetic diseases. Last evaluated: 2024-11-08. Review status: criteria provided, single submitter. Criteria: Ambry Variant Classification Scheme 2023. Collection method: clinical testing. Allele origin: germline.
Comment: The p.D240E variant (also known as c.720C>G), located in coding exon 9 of the ERCC2 gene, results from a C to G substitution at nucleotide position 720. The aspartic acid at codon 240 is replaced by glutamic acid, an amino acid with highly similar properties. This amino acid position is conserved. In addition, the in silico prediction for this alteration is inconclusive. Since supporting evidence is limited at this time, the clinical significance of this alteration remains unclear.

Labcorp Genetics (formerly Invitae), Labcorp
Classification: Uncertain significance. Last evaluated: 2022-05-12. Review status: criteria provided, single submitter. Criteria: Invitae Variant Classification Sherloc (09022015). Collection method: clinical testing. Allele origin: germline.
Comment: This sequence change replaces aspartic acid, which is acidic and polar, with glutamic acid, which is acidic and polar, at codon 240 of the ERCC2 protein (p.Asp240Glu). This variant is present in population databases (no rsID available, gnomAD 0.004%). This variant has not been reported in the literature in individuals affected with ERCC2-related conditions. ClinVar contains an entry for this variant (Variation ID: 1175040). Algorithms developed to predict the effect of missense changes on protein structure and function are either unavailable or do not agree on the potential impact of this missense change (SIFT: "Deleterious"; PolyPhen-2: "Probably Damaging"; Align-GVGD: "Class C0"). In summary, the available evidence is currently insufficient to determine the role of this variant in disease. Therefore, it has been classified as a Variant of Uncertain Significance.

Fulgent Genetics
Classification: Uncertain significance for Xeroderma pigmentosum, group D; Trichothiodystrophy 1, photosensitive; Cerebrooculofacioskeletal syndrome 2. Last evaluated: 2022-04-12. Review status: criteria provided, single submitter. Criteria: ACMG Guidelines, 2015. Collection method: clinical testing. Allele origin: unknown.

Clinical Genetics DNA and cytogenetics Diagnostics Lab, Erasmus MC, Erasmus Medical Center
Classification: Uncertain significance. Review status: no assertion criteria provided. Collection method: clinical testing. Allele origin: germline. Affected: yes. Study: VKGL Data-share Consensus. Not counted in ClinVar's aggregate classification.

Diagnostic Laboratory, Department of Genetics, University Medical Center Groningen
Classification: Uncertain significance. Review status: no assertion criteria provided. Collection method: clinical testing. Allele origin: germline. Affected: yes. Study: VKGL Data-share Consensus. Not counted in ClinVar's aggregate classification.